The following is an entry in ClinVar:

ClinVar aggregate classification (germline): Uncertain significance (1 of 4 stars; one submission).

Allele frequency attached by ClinVar (database versions not stated): gnomAD 0.00001; TOPMed 0.00002.
gnomAD v4.1: 4 of 1,614,104 alleles (0.00025%); highest among the groups gnomAD compares: African/African-American, 0.004%; no homozygotes.

Submission:

Labcorp Genetics (formerly Invitae), Labcorp
Classification: Uncertain significance. Last evaluated: 2023-10-24. Review status: criteria provided, single submitter. Criteria: Invitae Variant Classification Sherloc (09022015). Collection method: clinical testing. Allele origin: germline.
Comment: This sequence change replaces valine, which is neutral and non-polar, with methionine, which is neutral and non-polar, at codon 1694 of the TCF20 protein (p.Val1694Met). This variant is not present in population databases (gnomAD no frequency). This variant has not been reported in the literature in individuals affected with TCF20-related conditions. An algorithm developed to predict the effect of missense changes on protein structure and function (PolyPhen-2) suggests that this variant is likely to be disruptive. In summary, the available evidence is currently insufficient to determine the role of this variant in disease. Therefore, it has been classified as a Variant of Uncertain Significance.

NM_001378418.1(TCF20):c.5080G>A (p.Val1694Met)

Gene: TCF20 (transcription factor 20; minus strand). Cytogenetic location: 22q13.2.
Variant type: single nucleotide variant.
Coding change: c.5080G>A on transcript NM_001378418.1 (MANE Select); coding-DNA position 5080, G replaced by A.
Protein change: p.Val1694Met; replaces valine 1694 with methionine.
Molecular consequence: missense variant.
Genome position (GRCh38, 1-based): chr22:42,210,226, C>T on the plus strand (G>A on the coding strand, the complement: TCF20 is on the minus strand). VCF-style: chr22-42210226-C-T. GRCh37 (hg19) VCF-style: chr22-42606232-C-T.
Other names: c.5080G>A, p.Val1694Met (NM_005650.4, NM_181492.3); short protein forms V1694M.
Identifiers: ClinVar variation 2977078 (VCV002977078.3), dbSNP rs1022643690, ClinGen allele CA324697439.